The following is an entry in ClinVar:

NM_017739.4(POMGNT1):c.1721C>T (p.Thr574Ile)

Genes: POMGNT1 (protein O-linked mannose N-acetylglucosaminyltransferase 1 (beta 1,2-); minus strand), TSPAN1 (tetraspanin 1; plus strand). Cytogenetic location: 1p34.1.
Variant type: single nucleotide variant.
Coding change: c.1721C>T on transcript NM_017739.4 (MANE Select); coding-DNA position 1721, C replaced by T.
Protein change: p.Thr574Ile; replaces threonine 574 with isoleucine.
Molecular consequence: missense variant.
Genome position (GRCh38, 1-based): chr1:46,189,918, G>A on the plus strand (C>T on the coding strand, the complement: POMGNT1 is on the minus strand). VCF-style: chr1-46189918-G-A. GRCh37 (hg19) VCF-style: chr1-46655590-G-A.
Other names: c.1721C>T, p.Thr574Ile (NM_001243766.2, NM_001410783.1); c.1655C>T, p.Thr552Ile (NM_001290129.3); c.1292C>T, p.Thr431Ile (NM_001290130.2); short protein forms T431I, T574I, T552I.
Identifiers: ClinVar variation 658684 (VCV000658684.9), dbSNP rs556069604, ClinGen allele CA833257.

ClinVar aggregate classification (germline): Uncertain significance. Review status: criteria provided, multiple submitters, no conflicts (2 of 4 stars). 7 submissions from 4 submitters: Uncertain significance (6). 1 of the submissions does not count toward it. Last evaluated 2025-12-16.

Conditions:
Autosomal recessive limb-girdle muscular dystrophy type 2O. Also called: Limb-Girdle Muscular Dystrophy Type 3C; MUSCULAR DYSTROPHY-DYSTROGLYCANOPATHY, LIMB-GIRDLE, POMGNT1-RELATED; MUSCULAR DYSTROPHY-DYSTROGLYCANOPATHY (LIMB-GIRDLE), TYPE C, 3. Identifiers: Orphanet 206564, MedGen C3150417, MONDO:0013161, OMIM 613157.
Muscular dystrophy-dystroglycanopathy (congenital with impaired intellectual development), type B, 3. Also called: Muscular dystrophy-dystroglycanopathy (congenital with intellectual disability), type B3; MUSCULAR DYSTROPHY, CONGENITAL, POMGNT1-RELATED. Identifiers: MedGen C3150412, MONDO:0013155, OMIM 613151.
Muscular dystrophy-dystroglycanopathy (congenital with brain and eye anomalies), type A3. Also called: Congenital muscular dystrophy-dystroglycanopathy with brain and eye anomalies, type A3; Muscular dystrophy-dystroglycanopathy (congenital with brain and eye anomalies), type A, 3; WALKER-WARBURG SYNDROME OR MUSCLE-EYE-BRAIN DISEASE, POMGNT1-RELATED. Identifiers: MedGen C3151519, MONDO:0009667, OMIM 253280.
Muscle eye brain disease (MEB). Also called: Santavuori congenital muscular dystrophy. Identifiers: Orphanet 588, Orphanet 899, MedGen C0457133, MONDO:0018939.
Retinitis pigmentosa 76 (RP76). Identifiers: MedGen C4310704, MONDO:0014929, OMIM 617123.
Inborn genetic diseases. Identifiers: MedGen C0950123, MeSH D030342.

Allele frequency attached by ClinVar (database versions not stated): gnomAD 0.00001 and 0.00003; ExAC 0.00002; TOPMed 0.00005; 1000 Genomes Project 0.00020; gnomAD exomes 0.00002; 1000 Genomes Project 30x 0.00016.
gnomAD v4.1: 34 of 1,614,092 alleles (0.0021%); highest among the groups gnomAD compares: Middle Eastern, 0.066%; no homozygotes.

Submissions (7):

Ambry Genetics
Classification: Uncertain significance for Inborn genetic diseases. Last evaluated: 2025-12-16. Review status: criteria provided, single submitter. Criteria: Ambry Variant Classification Scheme 2023. Collection method: clinical testing. Allele origin: germline.

Labcorp Genetics (formerly Invitae), Labcorp
Classification: Uncertain significance for Autosomal recessive limb-girdle muscular dystrophy type 2O; Muscular dystrophy-dystroglycanopathy (congenital with impaired intellectual development), type B, 3. Last evaluated: 2022-07-08. Review status: criteria provided, single submitter. Criteria: Invitae Variant Classification Sherloc (09022015). Collection method: clinical testing. Allele origin: germline.
Comment: This sequence change replaces threonine, which is neutral and polar, with isoleucine, which is neutral and non-polar, at codon 574 of the POMGNT1 protein (p.Thr574Ile). The frequency data for this variant in the population databases is considered unreliable, as metrics indicate poor data quality at this position in the gnomAD database. This variant has not been reported in the literature in individuals affected with POMGNT1-related conditions. ClinVar contains an entry for this variant (Variation ID: 658684). Advanced modeling of protein sequence and biophysical properties (such as structural, functional, and spatial information, amino acid conservation, physicochemical variation, residue mobility, and thermodynamic stability) performed at Invitae indicates that this missense variant is not expected to disrupt POMGNT1 protein function. In summary, the available evidence is currently insufficient to determine the role of this variant in disease. Therefore, it has been classified as a Variant of Uncertain Significance.

Genome-Nilou Lab
Classification: Uncertain significance for Muscular dystrophy-dystroglycanopathy (congenital with brain and eye anomalies), type A3. Last evaluated: 2021-07-22. Review status: criteria provided, single submitter. Criteria: ACMG Guidelines, 2015. Collection method: clinical testing. Allele origin: germline. Affected: no.

Genome-Nilou Lab
Classification: Uncertain significance for Muscular dystrophy-dystroglycanopathy (congenital with impaired intellectual development), type B, 3. Last evaluated: 2021-07-22. Review status: criteria provided, single submitter. Criteria: ACMG Guidelines, 2015. Collection method: clinical testing. Allele origin: germline. Affected: no.

Genome-Nilou Lab
Classification: Uncertain significance for Autosomal recessive limb-girdle muscular dystrophy type 2O. Last evaluated: 2021-07-22. Review status: criteria provided, single submitter. Criteria: ACMG Guidelines, 2015. Collection method: clinical testing. Allele origin: germline. Affected: no.

Genome-Nilou Lab
Classification: Uncertain significance for Retinitis pigmentosa 76. Last evaluated: 2021-07-22. Review status: criteria provided, single submitter. Criteria: ACMG Guidelines, 2015. Collection method: clinical testing. Allele origin: germline. Affected: no.

Natera, Inc.
Classification: Uncertain significance for Muscle-eye-brain disease. Last evaluated: 2020-09-16. Review status: no assertion criteria provided. Collection method: clinical testing. Allele origin: germline. Not counted in ClinVar's aggregate classification.